The following is an entry in ClinVar:

NM_005754.3(G3BP1):c.955+2T>G

Gene: G3BP1 (G3BP stress granule assembly factor 1; plus strand). Cytogenetic location: 5q33.1.
Variant type: single nucleotide variant.
Coding change: c.955+2T>G on transcript NM_005754.3 (MANE Select); the canonical splice donor site of the intron after coding-DNA position 955, T replaced by G.
Molecular consequence: splice donor variant.
Genome position (GRCh38, 1-based): chr5:151,800,002, T>G. VCF-style: chr5-151800002-T-G. GRCh37 (hg19) VCF-style: chr5-151179563-T-G.
Other names: c.955+2T>G (NM_198395.2).
Identifiers: ClinVar variation 3375652 (VCV003375652.1).

ClinVar aggregate classification (germline): Uncertain significance (1 of 4 stars; one submission).

Submission:

GeneDx
Classification: Uncertain significance. Last evaluated: 2024-05-09. Review status: criteria provided, single submitter. Criteria: GeneDx Variant Classification Process June 2021. Collection method: clinical testing. Allele origin: germline. Affected: yes.
Comment: Not observed at significant frequency in large population cohorts (gnomAD); Canonical splice site variant in a gene or region of a gene for which loss of function is not a well-established mechanism of disease; Has not been previously published as pathogenic or benign to our knowledge